The following is an entry in ClinVar:

NM_000548.5(TSC2):c.3520C>T (p.Arg1174Trp)

Gene: TSC2 (TSC complex subunit 2; plus strand). Cytogenetic location: 16p13.3.
Variant type: single nucleotide variant.
Coding change: c.3520C>T on transcript NM_000548.5 (MANE Select); coding-DNA position 3520, C replaced by T.
Protein change: p.Arg1174Trp; replaces arginine 1174 with tryptophan.
Molecular consequence: missense variant.
Genome position (GRCh38, 1-based): chr16:2,080,287, C>T. VCF-style: chr16-2080287-C-T. GRCh37 (hg19) VCF-style: chr16-2130288-C-T.
Other names: c.3388C>T, p.Arg1130Trp (NM_001077183.3, NM_001370404.1); c.3520C>T, p.Arg1174Trp (NM_001114382.3); c.3280C>T, p.Arg1094Trp (NM_001318827.2); c.3244C>T, p.Arg1082Trp (NM_001318829.2); c.2788C>T, p.Arg930Trp (NM_001318831.2); c.3421C>T, p.Arg1141Trp (NM_001318832.2); c.3391C>T, p.Arg1131Trp (NM_001363528.2, NM_001370405.1, NM_021055.3); short protein forms R1174W, R1082W, R1094W, R1130W, R1131W, R1141W, R930W.
Identifiers: ClinVar variation 406059 (VCV000406059.21), dbSNP rs529298825, ClinGen allele CA047295.

ClinVar aggregate classification (germline): Benign/Likely benign. Review status: criteria provided, multiple submitters, no conflicts (2 of 4 stars). 6 submissions from 6 submitters: Benign (1); Likely benign (5). Last evaluated 2025-12-22.

Conditions:
Hereditary cancer-predisposing syndrome. Also called: Tumor predisposition; Neoplastic Syndromes, Hereditary; Hereditary Cancer Syndrome; Hereditary neoplastic syndrome. Identifiers: Orphanet 140162, MedGen C0027672, MeSH D009386, MONDO:0015356.
Tuberous sclerosis syndrome (TSC). Also called: Tuberous Sclerosis Complex; Tuberous sclerosis. Identifiers: Orphanet 805, MedGen C0041341, MONDO:0001734.
Tuberous sclerosis 2 (TSC2). Identifiers: Orphanet 805, MedGen C1860707, MONDO:0013199, OMIM 613254.

Allele frequency attached by ClinVar (database versions not stated): TOPMed 0.00002; gnomAD exomes 0.00004 and 0.00005; gnomAD 0.00002 and 0.00005; ExAC 0.00007; 1000 Genomes Project 30x 0.00062; 1000 Genomes Project 0.00080.

Submissions (6):

Labcorp Genetics (formerly Invitae), Labcorp
Classification: Benign for Tuberous sclerosis 2. Last evaluated: 2025-12-22. Review status: criteria provided, single submitter. Criteria: Invitae Variant Classification Sherloc (09022015). Collection method: clinical testing. Allele origin: germline.

Ambry Genetics
Classification: Likely benign for Hereditary cancer-predisposing syndrome. Last evaluated: 2025-08-12. Review status: criteria provided, single submitter. Criteria: Ambry Variant Classification Scheme 2023. Collection method: clinical testing. Allele origin: germline.

Myriad Genetics, Inc.
Classification: Likely benign for Tuberous sclerosis 2. Last evaluated: 2024-08-16. Review status: criteria provided, single submitter. Criteria: Myriad Autosomal Dominant, Autosomal Recessive and X-Linked Classification Criteria (2023). Collection method: clinical testing. Allele origin: unknown.
Comment: This variant is considered likely benign. This variant has been observed at a population frequency that is significantly greater than expected given the associated disease prevalence and penetrance.

Color Diagnostics, LLC DBA Color Health
Classification: Likely benign for Tuberous sclerosis syndrome. Last evaluated: 2022-10-02. Review status: criteria provided, single submitter. Criteria: ACMG Guidelines, 2015. Collection method: clinical testing. Allele origin: germline.

Genome-Nilou Lab
Classification: Likely benign for Tuberous sclerosis 2. Last evaluated: 2021-11-07. Review status: criteria provided, single submitter. Criteria: ACMG Guidelines, 2015. Collection method: clinical testing. Allele origin: germline. Affected: no.

GeneDx
Classification: Likely benign. Last evaluated: 2018-04-05. Review status: criteria provided, single submitter. Criteria: GeneDx Variant Classification (06012015). Collection method: clinical testing. Allele origin: germline. Affected: yes.
Comment: This variant is considered likely benign or benign based on one or more of the following criteria: it is a conservative change, it occurs at a poorly conserved position in the protein, it is predicted to be benign by multiple in silico algorithms, and/or has population frequency not consistent with disease.